The following is an entry in ClinVar:

ClinVar aggregate classification (germline): Uncertain significance (1 of 4 stars; one submission).

Allele frequency attached by ClinVar (database versions not stated): gnomAD exomes below 0.00001.
gnomAD v4.1: 4 of 1,614,214 alleles (0.00025%); highest among the groups gnomAD compares: Non-Finnish European, 0.00034%; no homozygotes.

Submission:

GeneDx
Classification: Uncertain significance. Last evaluated: 2016-09-29. Review status: criteria provided, single submitter. Criteria: GeneDx Variant Classification (06012015). Collection method: clinical testing. Allele origin: germline. Affected: yes.
Comment: p.Asp1511Ala (GAC>GCC): c.4532 A>C in exon 33 of the MYH7 gene (NM_000257.2). The Asp1511Ala variant in the MYH7 gene has not been reported as a disease-causing variant, to our knowledge. It was not observed in approximately 6,500 individuals of European and African American ancestry in the NHLBI Exome Sequencing Project, indicating it is not a common benign variant in these populations. Asp1511Ala results in a non-conservative amino acid substitution of a negatively charged Aspartic acid with a non-polar Alanine at a residue that is conserved across species. In silico analysis predicts Asp1511Ala is probably damaging to the protein structure/function. Pathogenic variants in nearby residues (Arg1500Trp, Thr1513Ser, Glu1514Lys) have been reported in association with cardiomyopathy, further supporting the functional importance of this region of the protein. In summary, while Asp1511Ala is a good candidate for a disease-causing variant, we cannot unequivocally determine the clinical significance of this variant.The variant is found in MYH7 panel(s).

NM_000257.4(MYH7):c.4532A>C (p.Asp1511Ala)

Genes: MHRT (myosin heavy chain associated RNA transcript; plus strand), MYH7 (myosin heavy chain 7; minus strand). Cytogenetic location: 14q11.2.
Variant type: single nucleotide variant.
Coding change: c.4532A>C on transcript NM_000257.4 (MANE Select); coding-DNA position 4532, A replaced by C.
Protein change: p.Asp1511Ala; replaces aspartic acid 1511 with alanine.
Molecular consequence: missense variant. On other transcripts: non-coding transcript variant (1).
Genome position (GRCh38, 1-based): chr14:23,416,980, T>G on the plus strand (A>C on the coding strand, the complement: MYH7 is on the minus strand). VCF-style: chr14-23416980-T-G. GRCh37 (hg19) VCF-style: chr14-23886189-T-G.
Other names: p.D1511A:GAC>GCC; c.4532A>C (LRG_384t1); short protein forms D1511A.
Identifiers: ClinVar variation 181258 (VCV000181258.2), dbSNP rs730880802, ClinGen allele CA015090.